The following is an entry in ClinVar:

ClinVar aggregate classification (germline): Uncertain significance (1 of 4 stars; one submission).

Conditions:
Hereditary nonpolyposis colorectal neoplasms. Identifiers: MedGen C0009405, MeSH D003123.

Submission:

Labcorp Genetics (formerly Invitae), Labcorp
Classification: Uncertain significance for Hereditary nonpolyposis colorectal neoplasms. Last evaluated: 2020-03-12. Review status: criteria provided, single submitter. Criteria: Invitae Variant Classification Sherloc (09022015). Collection method: clinical testing. Allele origin: germline.
Comment: In summary, the available evidence is currently insufficient to determine the role of this variant in disease. Therefore, it has been classified as a Variant of Uncertain Significance. Algorithms developed to predict the effect of missense changes on protein structure and function are either unavailable or do not agree on the potential impact of this missense change (SIFT: "Deleterious"; PolyPhen-2: "Probably Damaging"; Align-GVGD: "Class C15"). This variant has not been reported in the literature in individuals with MSH6-related conditions. This variant is not present in population databases (ExAC no frequency). This sequence change replaces histidine with leucine at codon 113 of the MSH6 protein (p.His113Leu). The histidine residue is highly conserved and there is a moderate physicochemical difference between histidine and leucine.

NM_000179.3(MSH6):c.338A>T (p.His113Leu)

Gene: MSH6 (mutS homolog 6; plus strand). Cytogenetic location: 2p16.3.
Variant type: single nucleotide variant.
Coding change: c.338A>T on transcript NM_000179.3 (MANE Select); coding-DNA position 338, A replaced by T.
Protein change: p.His113Leu; replaces histidine 113 with leucine.
Molecular consequence: missense variant. On other transcripts: 5 prime UTR variant (2), intron variant (1).
Genome position (GRCh38, 1-based): chr2:47,791,004, A>T. VCF-style: chr2-47791004-A-T. GRCh37 (hg19) VCF-style: chr2-48018143-A-T.
Other names: c.-399A>T (NM_001281493.2); c.-565A>T (NM_001281494.2); c.237+7534A>T (NM_001281492.2); short protein forms H113L.
Identifiers: ClinVar variation 1056770 (VCV001056770.10), dbSNP rs2104103351, ClinGen allele CA346736964.